The following is an entry in ClinVar:

NM_004999.4(MYO6):c.1161A>G (p.Arg387=)

Gene: MYO6 (myosin VI; plus strand). Cytogenetic location: 6q14.1.
Variant type: single nucleotide variant.
Coding change: c.1161A>G on transcript NM_004999.4 (MANE Select); coding-DNA position 1161, A replaced by G.
Protein change: p.Arg387=; no amino-acid change (arginine 387 retained).
Molecular consequence: synonymous variant. On other transcripts: non-coding transcript variant (1).
Genome position (GRCh38, 1-based): chr6:75,855,221, A>G. VCF-style: chr6-75855221-A-G. GRCh37 (hg19) VCF-style: chr6-76564938-A-G.
Other names: c.1161A>G, p.Arg387= (NM_001300899.2, NM_001368136.1, NM_001368137.1 and 2 more transcripts); c.1146A>G, p.Arg382= (NM_001368138.1).
Identifiers: ClinVar variation 2125943 (VCV002125943.4), dbSNP rs1583282947, ClinGen allele CA450938652.

ClinVar aggregate classification (germline): Uncertain significance (1 of 4 stars; one submission).

Allele frequency attached by ClinVar (database versions not stated): gnomAD exomes below 0.00001.
gnomAD v4.1: 2 of 1,613,740 alleles (0.00012%); highest among the groups gnomAD compares: Non-Finnish European, 0.00017%; no homozygotes.

Submission:

Labcorp Genetics (formerly Invitae), Labcorp
Classification: Uncertain significance. Last evaluated: 2023-09-14. Review status: criteria provided, single submitter. Criteria: Invitae Variant Classification Sherloc (09022015). Collection method: clinical testing. Allele origin: germline.
Comment: In summary, the available evidence is currently insufficient to determine the role of this variant in disease. Therefore, it has been classified as a Variant of Uncertain Significance. Algorithms developed to predict the effect of sequence changes on RNA splicing suggest that this variant may disrupt the consensus splice site. ClinVar contains an entry for this variant (Variation ID: 2125943). This variant has not been reported in the literature in individuals affected with MYO6-related conditions. This variant is not present in population databases (gnomAD no frequency). This sequence change affects codon 387 of the MYO6 mRNA. It is a 'silent' change, meaning that it does not change the encoded amino acid sequence of the MYO6 protein.